The following is an entry in ClinVar:

NM_001142800.2(EYS):c.7475A>T (p.Asn2492Ile)

Gene: EYS (EGF-like photoreceptor maintenance factor; minus strand). Cytogenetic location: 6q12.
Variant type: single nucleotide variant.
Coding change: c.7475A>T on transcript NM_001142800.2 (MANE Select); coding-DNA position 7475, A replaced by T.
Protein change: p.Asn2492Ile; replaces asparagine 2492 with isoleucine.
Molecular consequence: missense variant.
Genome position (GRCh38, 1-based): chr6:63,789,161, T>A on the plus strand (A>T on the coding strand, the complement: EYS is on the minus strand). VCF-style: chr6-63789161-T-A. GRCh37 (hg19) VCF-style: chr6-64499054-T-A.
Other names: c.7475A>T, p.Asn2492Ile (NM_001292009.2); short protein forms N2492I.
Identifiers: ClinVar variation 4768249 (VCV004768249.1).

ClinVar aggregate classification (germline): Uncertain significance (1 of 4 stars; one submission).

Submission:

Labcorp Genetics (formerly Invitae), Labcorp
Classification: Uncertain significance. Last evaluated: 2025-06-14. Review status: criteria provided, single submitter. Criteria: Invitae Variant Classification Sherloc (09022015). Collection method: clinical testing. Allele origin: germline.
Comment: This sequence change replaces asparagine, which is neutral and polar, with isoleucine, which is neutral and non-polar, at codon 2492 of the EYS protein (p.Asn2492Ile). This variant is not present in population databases (gnomAD no frequency). This variant has not been reported in the literature in individuals affected with EYS-related conditions. Invitae Evidence Modeling of protein sequence and biophysical properties (such as structural, functional, and spatial information, amino acid conservation, physicochemical variation, residue mobility, and thermodynamic stability) has been performed for this missense variant. However, the output from this modeling did not meet the statistical confidence thresholds required to predict the impact of this variant on EYS protein function. In summary, the available evidence is currently insufficient to determine the role of this variant in disease. Therefore, it has been classified as a Variant of Uncertain Significance.